The following is an entry in ClinVar:

NM_001943.5(DSG2):c.879A>G (p.Ile293Met)

Gene: DSG2 (desmoglein 2; plus strand). Cytogenetic location: 18q12.1.
Variant type: single nucleotide variant.
Coding change: c.879A>G on transcript NM_001943.5 (MANE Select); coding-DNA position 879, A replaced by G.
Protein change: p.Ile293Met; replaces isoleucine 293 with methionine.
Molecular consequence: missense variant.
Genome position (GRCh38, 1-based): chr18:31,524,753, A>G. VCF-style: chr18-31524753-A-G. GRCh37 (hg19) VCF-style: chr18-29104716-A-G.
Other names: short protein forms I293M.
Identifiers: ClinVar variation 4771094 (VCV004771094.1).

ClinVar aggregate classification (germline): Uncertain significance (1 of 4 stars; one submission).

Conditions:
Arrhythmogenic right ventricular dysplasia 10. Also called: Arrhythmogenic Right Ventricular Dysplasia/Cardiomyopathy10; ARRHYTHMOGENIC RIGHT VENTRICULAR DYSPLASIA, FAMILIAL, 10; Arrhythmogenic right ventricular dysplasia/cardiomyopathy, type 10. Identifiers: MedGen C1857777, MONDO:0012434, OMIM 610193.

gnomAD v4.1: 4 of 1,614,212 alleles (0.00025%); highest among the groups gnomAD compares: South Asian, 0.0033%; no homozygotes.

Submission:

Labcorp Genetics (formerly Invitae), Labcorp
Classification: Uncertain significance for Arrhythmogenic right ventricular dysplasia 10. Last evaluated: 2025-02-20. Review status: criteria provided, single submitter. Criteria: Invitae Variant Classification Sherloc (09022015). Collection method: clinical testing. Allele origin: germline.
Comment: This sequence change replaces isoleucine, which is neutral and non-polar, with methionine, which is neutral and non-polar, at codon 293 of the DSG2 protein (p.Ile293Met). This variant is present in population databases (no rsID available, gnomAD 0.003%). This variant has not been reported in the literature in individuals affected with DSG2-related conditions. Invitae Evidence Modeling of protein sequence and biophysical properties (such as structural, functional, and spatial information, amino acid conservation, physicochemical variation, residue mobility, and thermodynamic stability) indicates that this missense variant is not expected to disrupt DSG2 protein function with a negative predictive value of 95%. In summary, the available evidence is currently insufficient to determine the role of this variant in disease. Therefore, it has been classified as a Variant of Uncertain Significance.